The following is an entry in ClinVar:

NM_001374736.1(DST):c.21347C>G (p.Thr7116Ser)

Gene: DST (dystonin; minus strand). Cytogenetic location: 6p12.1.
Variant type: single nucleotide variant.
Coding change: c.21347C>G on transcript NM_001374736.1 (MANE Select); coding-DNA position 21347, C replaced by G.
Protein change: p.Thr7116Ser; replaces threonine 7116 with serine.
Molecular consequence: missense variant.
Genome position (GRCh38, 1-based): chr6:56,482,738, G>C on the plus strand (C>G on the coding strand, the complement: DST is on the minus strand). VCF-style: chr6-56482738-G-C. GRCh37 (hg19) VCF-style: chr6-56347536-G-C.
Other names: c.14990C>G, p.Thr4997Ser (NM_001144769.5); c.14576C>G, p.Thr4859Ser (NM_001144770.2); c.21347C>G, p.Thr7116Ser (NM_001374722.1); c.20387C>G, p.Thr6796Ser (NM_001374729.1); c.14129C>G, p.Thr4710Ser (NM_001374730.1); c.21374C>G, p.Thr7125Ser (NM_001374734.1); c.14456C>G, p.Thr4819Ser (NM_001386100.1, NM_183380.4); c.13478C>G, p.Thr4493Ser (NM_015548.5); short protein forms T4819S, T4710S, T4997S, T6796S, T7116S, T4493S, T4859S, T7125S.
Identifiers: ClinVar variation 1426216 (VCV001426216.6), dbSNP rs2152422804, ClinGen allele CA364512116.

ClinVar aggregate classification (germline): Uncertain significance (1 of 4 stars; one submission).

Conditions:
Hereditary sensory and autonomic neuropathy type 6. Also called: Neuropathy, hereditary sensory and autonomic, type VI; HSAN VI. Identifiers: Orphanet 314381, MedGen C3539003, MONDO:0013839, OMIM 614653.
Epidermolysis bullosa simplex 3, localized or generalized intermediate, with BP230 deficiency (EBS3). Also called: Epidermolysis bullosa simplex due to BP230 deficiency; Epidermolysis bullosa simplex, autosomal recessive 2. Identifiers: Orphanet 412181, MedGen C3809470, MONDO:0014180, OMIM 615425.

gnomAD v4.1: 6 of 1,613,814 alleles (0.00037%); highest among the groups gnomAD compares: Non-Finnish European, 0.00051%; no homozygotes.

Submission:

Labcorp Genetics (formerly Invitae), Labcorp
Classification: Uncertain significance for Epidermolysis bullosa simplex 3, localized or generalized intermediate, with BP230 deficiency; Hereditary sensory and autonomic neuropathy type 6. Last evaluated: 2021-09-05. Review status: criteria provided, single submitter. Criteria: Invitae Variant Classification Sherloc (09022015). Collection method: clinical testing. Allele origin: germline.
Comment: In summary, the available evidence is currently insufficient to determine the role of this variant in disease. Therefore, it has been classified as a Variant of Uncertain Significance. Experimental studies and prediction algorithms are not available or were not evaluated, and the functional significance of this variant is currently unknown. This variant has not been reported in the literature in individuals affected with DST-related conditions. This variant is not present in population databases (ExAC no frequency). This sequence change replaces threonine with serine at codon 4493 of the DST protein (p.Thr4493Ser). The DST gene has multiple clinically relevant transcripts. This variant occurs in alternate transcript NM_015548.4, and corresponds to NM_001723.5:c.*132779C>G in the primary transcript.